The following is an entry in ClinVar:

NM_012144.4(DNAI1):c.864del (p.Met289fs)

Gene: DNAI1 (dynein axonemal intermediate chain 1; plus strand). Cytogenetic location: 9p13.3.
Variant type: Deletion.
Coding change: c.864del on transcript NM_012144.4 (MANE Select); coding-DNA position 864, one base deleted (G; older notation c.864delG).
Protein change: p.Met289fs; shifts the reading frame from methionine 289.
Molecular consequence: frameshift variant.
Genome position (GRCh38, 1-based): chr9:34,497,162, G deleted; the last of 2 consecutive G bases (chr9:34,497,161-34,497,162); deleting either gives the same sequence. VCF-style (leftmost placement, unchanged base first): chr9-34497160-CG-C. GRCh37 (hg19) VCF-style: chr9-34497158-CG-C.
Other names: c.876del, p.Met293fs (NM_001281428.2); short protein forms M293fs, M289fs.
Identifiers: ClinVar variation 2106380 (VCV002106380.4), dbSNP rs2492058503, ClinGen allele CA2580080365.

ClinVar aggregate classification (germline): Pathogenic (1 of 4 stars; one submission).

Conditions:
Primary ciliary dyskinesia. Also called: Ciliary dyskinesia. Identifiers: Orphanet 244, MedGen C0008780, MONDO:0016575, HP:0012265.

Submission:

Labcorp Genetics (formerly Invitae), Labcorp
Classification: Pathogenic for Primary ciliary dyskinesia. Last evaluated: 2022-08-05. Review status: criteria provided, single submitter. Criteria: Invitae Variant Classification Sherloc (09022015). Collection method: clinical testing. Allele origin: germline.
Comment: For these reasons, this variant has been classified as Pathogenic. This variant has not been reported in the literature in individuals affected with DNAI1-related conditions. This variant is not present in population databases (gnomAD no frequency). This sequence change creates a premature translational stop signal (p.Met289Trpfs*70) in the DNAI1 gene. It is expected to result in an absent or disrupted protein product. Loss-of-function variants in DNAI1 are known to be pathogenic (PMID: 16858015, 29363216).

Literature cited by the submitters: PubMed 16858015; PubMed 29363216.